The following is an entry in ClinVar:

NM_000059.4(BRCA2):c.3789T>C (p.Ser1263=)

Gene: BRCA2 (BRCA2 DNA repair associated; plus strand). Cytogenetic location: 13q13.1.
Variant type: single nucleotide variant.
Coding change: c.3789T>C on transcript NM_000059.4 (MANE Select); coding-DNA position 3789, T replaced by C.
Protein change: p.Ser1263=; no amino-acid change (serine 1263 retained).
Molecular consequence: synonymous variant.
Genome position (GRCh38, 1-based): chr13:32,338,144, T>C. VCF-style: chr13-32338144-T-C. GRCh37 (hg19) VCF-style: chr13-32912281-T-C.
Identifiers: ClinVar variation 231479 (VCV000231479.21), dbSNP rs876659185, ClinGen allele CA10579589.

ClinVar aggregate classification (germline): Likely benign. Review status: reviewed by expert panel (3 of 4 stars). 7 submissions from 7 submitters: Likely benign (1). 6 of the submissions do not count toward it. Last evaluated 2017-06-29.

Conditions:
Hereditary cancer-predisposing syndrome. Also called: Hereditary Cancer Syndrome; Neoplastic Syndromes, Hereditary; Tumor predisposition; Hereditary neoplastic syndrome. Identifiers: Orphanet 140162, MedGen C0027672, MeSH D009386, MONDO:0015356.
Breast-ovarian cancer, familial, susceptibility to, 2 (BROVCA2). Also called: BRCA2 Hereditary Breast and Ovarian Cancer. Identifiers: Orphanet 145, MedGen C2675520, MONDO:0012933, OMIM 612555. Disease mechanism: loss of function.
Hereditary breast ovarian cancer syndrome. Also called: Hereditary breast and/or ovarian cancer syndrome; BRCA1- and BRCA2-Associated Hereditary Breast and Ovarian Cancer; Hereditary breast and ovarian cancer syndrome (HBOC); Hereditary breast and ovarian cancer; Hereditary breast and ovarian cancer syndrome; Breast and ovarian cancer. Identifiers: Orphanet 145, MedGen C0677776, MeSH D061325, MONDO:0003582. Disease mechanism: loss of function.

Allele frequency attached by ClinVar (database versions not stated): gnomAD exomes below 0.00001.
gnomAD v4.1: 1 of 1,602,044 alleles (0.000062%); highest among the groups gnomAD compares: Non-Finnish European, 0.000085%; no homozygotes.

Submissions (7):

Evidence-based Network for the Interpretation of Germline Mutant Alleles (ENIGMA)
Classification: Likely benign for Breast-ovarian cancer, familial, susceptibility to, 2. Last evaluated: 2017-06-29. Review status: reviewed by expert panel. Criteria: ENIGMA BRCA1/2 Classification Criteria (2017-06-29). Collection method: curation. Allele origin: germline.
Comment: Synonymous substitution variant, with low bioinformatic likelihood to result in a splicing aberration (Splicing prior probability 0.02).

Labcorp Genetics (formerly Invitae), Labcorp
Classification: Likely benign for Hereditary breast ovarian cancer syndrome. Last evaluated: 2025-12-08. Review status: criteria provided, single submitter. Criteria: Invitae Variant Classification Sherloc (09022015). Collection method: clinical testing. Allele origin: germline. Not counted in ClinVar's aggregate classification.

All of Us Research Program, National Institutes of Health
Classification: Likely benign for Breast-ovarian cancer, familial, susceptibility to, 2. Last evaluated: 2023-08-14. Review status: criteria provided, single submitter. Criteria: ACMG Guidelines, 2015. Collection method: clinical testing. Allele origin: germline. Inheritance: Autosomal dominant inheritance. Observed: 3 variant alleles, 3 heterozygotes. Not counted in ClinVar's aggregate classification.
Comment: This study involves interpretation of variants in research participants for the purpose of population health screening. Participant phenotype was not available at the time of variant classification. Additional details can be found in publication PMID: 35346344, PMCID: PMC8962531

Quest Diagnostics Nichols Institute San Juan Capistrano
Classification: Likely benign. Last evaluated: 2023-07-20. Review status: criteria provided, single submitter. Criteria: Quest Diagnostics criteria. Collection method: clinical testing. Allele origin: unknown. Not counted in ClinVar's aggregate classification.

Women's Health and Genetics/Laboratory Corporation of America, LabCorp
Classification: Likely benign. Last evaluated: 2019-08-21. Review status: criteria provided, single submitter. Criteria: LabCorp Variant Classification Summary - May 2015. Collection method: clinical testing. Allele origin: germline. Not counted in ClinVar's aggregate classification.

Color Diagnostics, LLC DBA Color Health
Classification: Likely benign for Hereditary cancer-predisposing syndrome. Last evaluated: 2018-04-11. Review status: criteria provided, single submitter. Criteria: ACMG Guidelines, 2015. Collection method: clinical testing. Allele origin: germline. Not counted in ClinVar's aggregate classification.

Ambry Genetics
Classification: Likely benign for Hereditary cancer-predisposing syndrome. Last evaluated: 2015-04-19. Review status: criteria provided, single submitter. Criteria: Ambry Variant Classification Scheme 2023. Collection method: clinical testing. Allele origin: germline. Not counted in ClinVar's aggregate classification.